The following is an entry in ClinVar:

NM_000400.4(ERCC2):c.773G>T (p.Arg258Leu)

Gene: ERCC2 (ERCC excision repair 2, TFIIH core complex helicase subunit; minus strand). Cytogenetic location: 19q13.32.
Variant type: single nucleotide variant.
Coding change: c.773G>T on transcript NM_000400.4 (MANE Select); coding-DNA position 773, G replaced by T.
Protein change: p.Arg258Leu; replaces arginine 258 with leucine.
Molecular consequence: missense variant.
Genome position (GRCh38, 1-based): chr19:45,364,277, C>A on the plus strand (G>T on the coding strand, the complement: ERCC2 is on the minus strand). VCF-style: chr19-45364277-C-A. GRCh37 (hg19) VCF-style: chr19-45867535-C-A.
Other names: c.701G>T, p.Arg234Leu (NM_001130867.2); short protein forms R234L, R258L.
Identifiers: ClinVar variation 3509848 (VCV003509848.1).

ClinVar aggregate classification (germline): Uncertain significance (1 of 4 stars; one submission).

Conditions:
Inborn genetic diseases. Identifiers: MedGen C0950123, MeSH D030342.

Submission:

Ambry Genetics
Classification: Uncertain significance for Inborn genetic diseases. Last evaluated: 2024-08-19. Review status: criteria provided, single submitter. Criteria: Ambry Variant Classification Scheme 2023. Collection method: clinical testing. Allele origin: germline.
Comment: The p.R258L variant (also known as c.773G>T), located in coding exon 9 of the ERCC2 gene, results from a G to T substitution at nucleotide position 773. The arginine at codon 258 is replaced by leucine, an amino acid with dissimilar properties. This amino acid position is conserved. In addition, this alteration is predicted to be deleterious by in silico analysis. Based on the available evidence, the clinical significance of this variant remains unclear.